The following is an entry in ClinVar:

NM_001111.5(ADAR):c.2641_2642delinsTC (p.Met881Ser)

Genes: ADAR (adenosine deaminase RNA specific; minus strand), LOC126805874 (CDK7 strongly-dependent group 2 enhancer GRCh37_chr1:154561176-154562375; plus strand). Cytogenetic location: 1q21.3.
Variant type: Indel.
Coding change: c.2641_2642delinsTC on transcript NM_001111.5 (MANE Select); coding-DNA positions 2641 to 2642, AT replaced by TC.
Protein change: p.Met881Ser; replaces methionine 881 with serine.
Molecular consequence: missense variant.
Genome position (GRCh38, 1-based): chr1:154,589,783-154,589,784, AT replaced by GA on the plus strand (AT replaced by TC on the coding strand, the reverse complement: ADAR is on the minus strand). VCF-style: chr1-154589783-AT-GA. GRCh37 (hg19) VCF-style: chr1-154562259-AT-GA.
Other names: c.1756_1757delinsTC, p.Met586Ser (NM_001025107.3, NM_001193495.2, NM_001365046.1 and 2 more transcripts); c.2668_2669delinsTC, p.Met890Ser (NM_001365045.1); c.1678_1679delinsTC, p.Met560Ser (NM_001365049.1); c.2563_2564delinsTC, p.Met855Ser (NM_015840.4); c.2506_2507delinsTC, p.Met836Ser (NM_015841.4); short protein forms M560S, M586S, M836S, M855S, M881S, M890S.
Identifiers: ClinVar variation 3762174 (VCV003762174.2).

ClinVar aggregate classification (germline): Uncertain significance (1 of 4 stars; one submission).

Conditions:
Symmetrical dyschromatosis of extremities (DSH). Also called: DYSCHROMATOSIS SYMMETRICA HEREDITARIA 1; RETICULATE ACROPIGMENTATION OF DOHI; SYMMETRIC DYSCHROMATOSIS OF THE EXTREMITIES; Dyschromatosis symmetrica hereditaria. Identifiers: Orphanet 41, MedGen C0406775, MONDO:0007483, OMIM 127400.
Aicardi-Goutieres syndrome 6 (AGS6). Identifiers: Orphanet 51, MedGen C3539013, MONDO:0014007, OMIM 615010.

Submission:

Labcorp Genetics (formerly Invitae), Labcorp
Classification: Uncertain significance for Aicardi-Goutieres syndrome 6; Symmetrical dyschromatosis of extremities. Last evaluated: 2025-08-23. Review status: criteria provided, single submitter. Criteria: Invitae Variant Classification Sherloc (09022015). Collection method: clinical testing. Allele origin: germline.
Comment: This sequence change replaces methionine, which is neutral and non-polar, with serine, which is neutral and polar, at codon 881 of the ADAR protein (p.Met881Ser). This variant is present in population databases (no rsID available, gnomAD 0.0008%). This variant has not been reported in the literature in individuals affected with ADAR-related conditions. ClinVar contains an entry for this variant (Variation ID: 3762174). An algorithm developed to predict the effect of missense changes on protein structure and function (PolyPhen-2) suggests that this variant is likely to be tolerated. In summary, the available evidence is currently insufficient to determine the role of this variant in disease. Therefore, it has been classified as a Variant of Uncertain Significance.